The following is an entry in ClinVar:

NM_018294.6(CWF19L1):c.720G>A (p.Ala240=)

Gene: CWF19L1 (CWF19 like cell cycle control factor 1; minus strand). Cytogenetic location: 10q24.31.
Variant type: single nucleotide variant.
Coding change: c.720G>A on transcript NM_018294.6 (MANE Select); coding-DNA position 720, G replaced by A.
Protein change: p.Ala240=; no amino-acid change (alanine 240 retained).
Molecular consequence: synonymous variant. On other transcripts: 5 prime UTR variant (1).
Genome position (GRCh38, 1-based): chr10:100,246,924, C>T on the plus strand (G>A on the coding strand, the complement: CWF19L1 is on the minus strand). VCF-style: chr10-100246924-C-T. GRCh37 (hg19) VCF-style: chr10-102006681-C-T.
Other names: p.Ala240=; c.720G>A, p.Ala240= (NM_001303404.2); c.309G>A, p.Ala103= (NM_001303405.2, NM_001303406.2); c.-16G>A (NM_001303407.2).
Identifiers: ClinVar variation 128880 (VCV000128880.12), dbSNP rs17112787, ClinGen allele CA152541.
Genomic context (GRCh38, chr10:100,246,924, plus strand): 5'-ATCCGGAGGCTGTTTTACCAGTTCTGCTGCATCCATTAGCTTCATGGGAACAATACTGAA[C>T]GCGTAAAGATACTTTAGAGAAAAAGAACATAATGACATTAGGGGAAATACTATTTACCCA-3'
Protein context (NP_060764.3, residues 230-250): GNPEKKKYLY[Ala240=]FSIVPMKLMD

ClinVar aggregate classification (germline): Benign. Review status: criteria provided, multiple submitters, no conflicts (2 of 4 stars). 5 submissions from 5 submitters: Benign (3). 2 of the submissions do not count toward it. Last evaluated 2022-03-24.

Conditions:
CWF19L1-related disorder. Also called: CWF19L1-related condition.

Allele frequency attached by ClinVar (database versions not stated): ExAC 0.04696; gnomAD 0.04645 and 0.04888; 1000 Genomes Project 30x 0.10275; 1000 Genomes Project 0.10843; gnomAD exomes 0.04537; ESP Exome Variant Server 0.04160; TOPMed 0.05231.
gnomAD v4.1: 46,556 of 1,609,416 alleles (2.9%); highest among the groups gnomAD compares: East Asian, 27%; 2,444 homozygotes.

Submissions (5):

Mayo Clinic Laboratories, Mayo Clinic
Classification: Benign. Last evaluated: 2022-03-24. Review status: criteria provided, single submitter. Criteria: ACMG Guidelines, 2015. Collection method: clinical testing. Allele origin: germline. Observed: 24 variant alleles.

GeneDx
Classification: Benign. Last evaluated: 2020-03-27. Review status: criteria provided, single submitter. Criteria: GeneDx Variant Classification Process June 2021. Collection method: clinical testing. Allele origin: germline. Affected: yes.

Breakthrough Genomics
Classification: Benign. Review status: criteria provided, single submitter. Criteria: ACMG Guidelines, 2015. Collection method: not provided. Allele origin: germline. Inheritance: Autosomal recessive inheritance. Affected: yes.

PreventionGenetics, part of Exact Sciences
Classification: Benign for CWF19L1-related condition. Last evaluated: 2019-12-16. Review status: no assertion criteria provided. Collection method: clinical testing. Allele origin: germline. Not counted in ClinVar's aggregate classification.
Comment: This variant is classified as benign based on ACMG/AMP sequence variant interpretation guidelines (Richards et al. 2015 PMID: 25741868, with internal and published modifications).

Genetic Services Laboratory, University of Chicago
Classification: Likely benign for AllHighlyPenetrant. Review status: no assertion criteria provided. Collection method: clinical testing. Allele origin: germline. Inheritance: Autosomal recessive inheritance. Not counted in ClinVar's aggregate classification.
Comment: Likely benign based on allele frequency in 1000 Genomes Project or ESP global frequency and its presence in a patient with a rare or unrelated disease phenotype. NOT Sanger confirmed.